The following is an entry in ClinVar:

ClinVar aggregate classification (germline): Uncertain significance. Review status: criteria provided, multiple submitters, no conflicts (2 of 4 stars). 2 submissions from 2 submitters: Uncertain significance (2). Last evaluated 2025-08-01.

Conditions:
Hereditary spastic paraplegia 63. Also called: Spastic paraplegia 63, autosomal recessive. Identifiers: Orphanet 401805, MedGen C3810295, MONDO:0014305, OMIM 615686.
Pontocerebellar hypoplasia type 9. Identifiers: Orphanet 369920, MedGen C4014354, MONDO:0014351, OMIM 615809.
Inborn genetic diseases. Identifiers: MedGen C0950123, MeSH D030342.

Allele frequency attached by ClinVar (database versions not stated): ExAC 0.00001; gnomAD exomes 0.00002; TOPMed 0.00003.

Submissions (2):

Ambry Genetics
Classification: Uncertain significance for Inborn genetic diseases. Last evaluated: 2025-08-01. Review status: criteria provided, single submitter. Criteria: Ambry Variant Classification Scheme 2023. Collection method: clinical testing. Allele origin: germline.

Labcorp Genetics (formerly Invitae), Labcorp
Classification: Uncertain significance for Pontocerebellar hypoplasia type 9; Hereditary spastic paraplegia 63. Last evaluated: 2021-11-13. Review status: criteria provided, single submitter. Criteria: Invitae Variant Classification Sherloc (09022015). Collection method: clinical testing. Allele origin: germline.
Comment: This sequence change replaces arginine, which is basic and polar, with cysteine, which is neutral and slightly polar, at codon 335 of the AMPD2 protein (p.Arg335Cys). In summary, the available evidence is currently insufficient to determine the role of this variant in disease. Therefore, it has been classified as a Variant of Uncertain Significance. Algorithms developed to predict the effect of missense changes on protein structure and function are either unavailable or do not agree on the potential impact of this missense change (SIFT: "Deleterious"; PolyPhen-2: "Benign"; Align-GVGD: "Class C15"). This variant has not been reported in the literature in individuals affected with AMPD2-related conditions. This variant is present in population databases (rs769550203, gnomAD 0.006%).

NM_001368809.2(AMPD2):c.841C>T (p.Arg281Cys)

Gene: AMPD2 (adenosine monophosphate deaminase 2; plus strand). Cytogenetic location: 1p13.3.
Variant type: single nucleotide variant.
Coding change: c.841C>T on transcript NM_001368809.2 (MANE Select); coding-DNA position 841, C replaced by T.
Protein change: p.Arg281Cys; replaces arginine 281 with cysteine.
Molecular consequence: missense variant.
Genome position (GRCh38, 1-based): chr1:109,627,297, C>T. VCF-style: chr1-109627297-C-T. GRCh37 (hg19) VCF-style: chr1-110169919-C-T.
Other names: c.649C>T, p.Arg217Cys (NM_001257361.2); c.778C>T, p.Arg260Cys (NM_001308170.1); c.841C>T, p.Arg281Cys (NM_004037.9); c.760C>T, p.Arg254Cys (NM_139156.4); c.1003C>T (NM_004037.6); short protein forms R217C, R254C, R260C, R281C.
Identifiers: ClinVar variation 1449258 (VCV001449258.6), dbSNP rs769550203, ClinGen allele CA992925.